The following is an entry in ClinVar:

ClinVar aggregate classification (germline): Uncertain significance (1 of 4 stars; one submission).

gnomAD v4.1: 1 of 1,614,234 alleles (0.000062%); no homozygotes.

Submission:

Ambry Genetics
Classification: Uncertain significance. Last evaluated: 2024-03-18. Review status: criteria provided, single submitter. Criteria: Ambry Variant Classification Scheme 2023. Collection method: clinical testing. Allele origin: germline.
Comment: The p.E881K variant (also known as c.2641G>A), located in coding exon 16 of the POLQ gene, results from a G to A substitution at nucleotide position 2641. The glutamic acid at codon 881 is replaced by lysine, an amino acid with similar properties. This amino acid position is conserved. In addition, this alteration is predicted to be tolerated by in silico analysis. Based on the available evidence, the clinical significance of this alteration remains unclear.

NM_199420.4(POLQ):c.2641G>A (p.Glu881Lys)

Gene: POLQ (DNA polymerase theta; minus strand). Cytogenetic location: 3q13.33.
Variant type: single nucleotide variant.
Coding change: c.2641G>A on transcript NM_199420.4 (MANE Select); coding-DNA position 2641, G replaced by A.
Protein change: p.Glu881Lys; replaces glutamic acid 881 with lysine.
Molecular consequence: missense variant.
Genome position (GRCh38, 1-based): chr3:121,490,290, C>T on the plus strand (G>A on the coding strand, the complement: POLQ is on the minus strand). VCF-style: chr3-121490290-C-T. GRCh37 (hg19) VCF-style: chr3-121209137-C-T.
Other names: short protein forms E881K.
Identifiers: ClinVar variation 3308588 (VCV003308588.1).